The following is an entry in ClinVar:

ClinVar aggregate classification (germline): Uncertain significance (1 of 4 stars; one submission).

gnomAD v4.1: 12 of 1,613,944 alleles (0.00074%); highest among the groups gnomAD compares: Middle Eastern, 0.016%; no homozygotes.

Submission:

Women's Health and Genetics/Laboratory Corporation of America, LabCorp
Classification: Uncertain significance. Last evaluated: 2025-11-10. Review status: criteria provided, single submitter. Criteria: LabCorp Variant Classification Summary - May 2015. Collection method: clinical testing. Allele origin: germline.
Comment: Variant summary: SYT2 c.364A>G (p.Thr122Ala) results in a non-conservative amino acid change in the encoded protein sequence. Algorithms developed to predict the effect of missense changes on protein structure and function are either unavailable or do not agree on the potential impact of this missense change. The variant allele was found at a frequency of 8e-06 in 251424 control chromosomes. The available data on variant occurrences in the general population are insufficient to allow any conclusion about variant significance. To our knowledge, no occurrence of c.364A>G in individuals affected with SYT2-related conditions and no experimental evidence demonstrating its impact on protein function have been reported. No submitters have cited clinical-significance assessments for this variant to ClinVar. Based on the evidence outlined above, the variant was classified as uncertain significance.

NM_177402.5(SYT2):c.364A>G (p.Thr122Ala)

Gene: SYT2 (synaptotagmin 2; minus strand). Cytogenetic location: 1q32.1.
Variant type: single nucleotide variant.
Coding change: c.364A>G on transcript NM_177402.5 (MANE Select); coding-DNA position 364, A replaced by G.
Protein change: p.Thr122Ala; replaces threonine 122 with alanine.
Molecular consequence: missense variant.
Genome position (GRCh38, 1-based): chr1:202,603,100, T>C on the plus strand (A>G on the coding strand, the complement: SYT2 is on the minus strand). VCF-style: chr1-202603100-T-C. GRCh37 (hg19) VCF-style: chr1-202572228-T-C.
Other names: c.364A>G, p.Thr122Ala (NM_001136504.1); short protein forms T122A.
Identifiers: ClinVar variation 4536895 (VCV004536895.1).
Genomic context (GRCh38, chr1:202,603,100, plus strand): 5'-TGCCCAGGTTCTCTGGCTCTTTCTCCTCCTCCCCTTCACCTTCCCCCTCAGTCAGGCCTG[T>C]CTCTGCGTCGTCGTCATCCTGTGGGAGCTGGGGGAGAGAGGGAACAAGTTAAAAGGGGAG-3'
Protein context (NP_796376.2, residues 112-132): KGGQDDDDAE[Thr122Ala]GLTEGEGEGE